The following is an entry in ClinVar:

ClinVar aggregate classification (germline): Uncertain significance (1 of 4 stars; one submission).

Conditions:
Combined immunodeficiency due to LRBA deficiency. Also called: Common variable immunodeficiency 8, with autoimmunity. Identifiers: Orphanet 445018, MedGen C3553512, MONDO:0013863, OMIM 614700.

Allele frequency attached by ClinVar (database versions not stated): gnomAD exomes below 0.00001; TOPMed below 0.00001.
gnomAD v4.1: 4 of 1,611,036 alleles (0.00025%); highest among the groups gnomAD compares: Non-Finnish European, 0.00034%; no homozygotes.

Submission:

Labcorp Genetics (formerly Invitae), Labcorp
Classification: Uncertain significance for Combined immunodeficiency due to LRBA deficiency. Last evaluated: 2019-10-19. Review status: criteria provided, single submitter. Criteria: Invitae Variant Classification Sherloc (09022015). Collection method: clinical testing. Allele origin: germline.
Comment: This sequence change replaces leucine with glutamine at codon 2326 of the LRBA protein (p.Leu2326Gln). The leucine residue is moderately conserved and there is a moderate physicochemical difference between leucine and glutamine. In summary, the available evidence is currently insufficient to determine the role of this variant in disease. Therefore, it has been classified as a Variant of Uncertain Significance. Algorithms developed to predict the effect of missense changes on protein structure and function are either unavailable or do not agree on the potential impact of this missense change (SIFT: "Deleterious"; PolyPhen-2: "Probably Damaging"; Align-GVGD: "Class C0"). This variant has not been reported in the literature in individuals with LRBA-related conditions. This variant is not present in population databases (ExAC no frequency).

NM_001364905.1(LRBA):c.6944T>A (p.Leu2315Gln)

Gene: LRBA (LPS responsive beige-like anchor protein; minus strand). Cytogenetic location: 4q31.3.
Variant type: single nucleotide variant.
Coding change: c.6944T>A on transcript NM_001364905.1 (MANE Select); coding-DNA position 6944, T replaced by A.
Protein change: p.Leu2315Gln; replaces leucine 2315 with glutamine.
Molecular consequence: missense variant.
Genome position (GRCh38, 1-based): chr4:150,435,686, A>T on the plus strand (T>A on the coding strand, the complement: LRBA is on the minus strand). VCF-style: chr4-150435686-A-T. GRCh37 (hg19) VCF-style: chr4-151356838-A-T.
Other names: c.6944T>A, p.Leu2315Gln (NM_001199282.3, NM_001367550.1); c.6977T>A, p.Leu2326Gln (NM_006726.5); short protein forms L2326Q, L2315Q.
Identifiers: ClinVar variation 942063 (VCV000942063.9), dbSNP rs1751017555, ClinGen allele CA358600203.